The following is an entry in ClinVar:

NM_015459.5(ATL3):c.618G>A (p.Gln206=)

Genes: ATL3 (atlastin GTPase 3; minus strand), LNCROPM (lncRNA regulator of PLAAT3 mediated phospholipid metabolism; plus strand). Cytogenetic location: 11q13.1.
Variant type: single nucleotide variant.
Coding change: c.618G>A on transcript NM_015459.5 (MANE Select); coding-DNA position 618, G replaced by A.
Protein change: p.Gln206=; no amino-acid change (glutamine 206 retained).
Molecular consequence: synonymous variant.
Genome position (GRCh38, 1-based): chr11:63,646,507, C>T on the plus strand (G>A on the coding strand, the complement: ATL3 is on the minus strand). VCF-style: chr11-63646507-C-T. GRCh37 (hg19) VCF-style: chr11-63413979-C-T.
Other names: c.564G>A, p.Gln188= (NM_001290048.2).
Identifiers: ClinVar variation 2765921 (VCV002765921.3), dbSNP rs2495665880, ClinGen allele CA474903547.

ClinVar aggregate classification (germline): Uncertain significance (1 of 4 stars; one submission).

Conditions:
Neuropathy, hereditary sensory, type 1F. Also called: HSN IF; Hereditary sensory neuropathy type IF. Identifiers: Orphanet 36386, MedGen C3810194, MONDO:0014286, OMIM 615632.

Submission:

Labcorp Genetics (formerly Invitae), Labcorp
Classification: Uncertain significance for Neuropathy, hereditary sensory, type 1F. Last evaluated: 2023-06-04. Review status: criteria provided, single submitter. Criteria: Invitae Variant Classification Sherloc (09022015). Collection method: clinical testing. Allele origin: germline.
Comment: In summary, the available evidence is currently insufficient to determine the role of this variant in disease. Therefore, it has been classified as a Variant of Uncertain Significance. Variants that disrupt the consensus splice site are a relatively common cause of aberrant splicing (PMID: 17576681, 9536098). Algorithms developed to predict the effect of sequence changes on RNA splicing suggest that this variant may disrupt the consensus splice site. This sequence change affects codon 206 of the ATL3 mRNA. It is a 'silent' change, meaning that it does not change the encoded amino acid sequence of the ATL3 protein. This variant also falls at the last nucleotide of exon 6, which is part of the consensus splice site for this exon. This variant is not present in population databases (gnomAD no frequency). This variant has not been reported in the literature in individuals affected with ATL3-related conditions.

Literature cited by the submitters: PubMed 17576681; PubMed 9536098.